The following is an entry in ClinVar:

NM_020975.6(RET):c.2546G>A (p.Gly849Asp)

Gene: RET (ret proto-oncogene; plus strand). Cytogenetic location: 10q11.21.
Variant type: single nucleotide variant.
Coding change: c.2546G>A on transcript NM_020975.6 (MANE Select); coding-DNA position 2546, G replaced by A.
Protein change: p.Gly849Asp; replaces glycine 849 with aspartic acid.
Molecular consequence: missense variant.
Genome position (GRCh38, 1-based): chr10:43,119,684, G>A. VCF-style: chr10-43119684-G-A. GRCh37 (hg19) VCF-style: chr10-43615132-G-A.
Other names: c.2546G>A, p.Gly849Asp (NM_000323.2, NM_001406743.1, NM_001406744.1 and 4 more transcripts); c.1784G>A, p.Gly595Asp (NM_001355216.2); c.2417G>A, p.Gly806Asp (NM_001406761.1, NM_001406762.1, NM_001406764.1); c.2411G>A, p.Gly804Asp (NM_001406763.1, NM_001406765.1); c.2258G>A, p.Gly753Asp (NM_001406766.1, NM_001406767.1, NM_001406770.1); c.1820G>A, p.Gly607Asp (NM_001406777.1, NM_001406778.1, NM_001406775.1 and 1 more transcripts); c.1649G>A, p.Gly550Asp (NM_001406779.1, NM_001406780.1, NM_001406781.1 and 1 more transcripts); c.1520G>A, p.Gly507Asp (NM_001406783.1, NM_001406786.1); and 10 more; short protein forms G849D, G595D, G454D, G505D, G510D, G550D, G804D, G366D.
Identifiers: ClinVar variation 543757 (VCV000543757.12), dbSNP rs761130672, ClinGen allele CA039728.

ClinVar aggregate classification (germline): Uncertain significance. Review status: criteria provided, multiple submitters, no conflicts (2 of 4 stars). 4 submissions from 4 submitters: Uncertain significance (4). Last evaluated 2025-12-02.

Conditions:
Multiple endocrine neoplasia, type 2 (MEN2). Identifiers: Orphanet 653, MedGen C4048306, MONDO:0019003. Disease mechanism: gain of function.
Hereditary cancer-predisposing syndrome. Also called: Neoplastic Syndromes, Hereditary; Hereditary Cancer Syndrome; Tumor predisposition; Hereditary neoplastic syndrome. Identifiers: Orphanet 140162, MedGen C0027672, MeSH D009386, MONDO:0015356.
Hirschsprung disease, susceptibility to, 1 (HSCR1). Also called: RET-Related Hirschsprung Disease. Identifiers: Orphanet 388, MedGen C3888239, MONDO:0007723, OMIM 142623.
Pheochromocytoma. Also called: MAX-Related Hereditary Paraganglioma-Pheochromocytoma Syndrome. Identifiers: Orphanet 29072, MedGen C0031511, MONDO:0008233, OMIM 171300, HP:0002666.
Familial medullary thyroid carcinoma (MTC). Also called: Thyroid cancer, familial medullary; MTC, familial; Familial Medullary Thyroid Carcinoma (FMTC). Identifiers: Orphanet 653, Orphanet 99361, MedGen C1833921, MONDO:0007958, OMIM 155240.
Multiple endocrine neoplasia type 2B. Also called: Multiple endocrine neoplasia, type 3; MULTIPLE ENDOCRINE NEOPLASIA, TYPE IIB; MUCOSAL NEUROMA SYNDROME; MEN 2B; Multiple Endocrine Neoplasia Type 2B (MEN2B); MEN IIB. Identifiers: Orphanet 247709, Orphanet 653, MedGen C0025269, MeSH D018814, MONDO:0008082, OMIM 162300.
Multiple endocrine neoplasia type 2A. Also called: MULTIPLE ENDOCRINE NEOPLASIA, TYPE IIA; PTC SYNDROME; SIPPLE SYNDROME; MEN 2A; MEN-2A syndrome; Pheochromocytoma and amyloid producing medullary thyroid carcinoma. Identifiers: Orphanet 247698, Orphanet 653, MedGen C0025268, MeSH D018813, MONDO:0008234, OMIM 171400.

Allele frequency attached by ClinVar (database versions not stated): gnomAD exomes below 0.00001; ExAC 0.00001; gnomAD 0.00001.
gnomAD v4.1: 2 of 1,613,396 alleles (0.00012%); highest among the groups gnomAD compares: Admixed American, 0.0017%; no homozygotes.

Submissions (4):

Labcorp Genetics (formerly Invitae), Labcorp
Classification: Uncertain significance for Multiple endocrine neoplasia, type 2. Last evaluated: 2025-12-02. Review status: criteria provided, single submitter. Criteria: Invitae Variant Classification Sherloc (09022015). Collection method: clinical testing. Allele origin: germline.
Comment: This sequence change replaces glycine, which is neutral and non-polar, with aspartic acid, which is acidic and polar, at codon 849 of the RET protein (p.Gly849Asp). This variant is present in population databases (rs761130672, gnomAD 0.1%). This variant has not been reported in the literature in individuals affected with RET-related conditions. ClinVar contains an entry for this variant (Variation ID: 543757). An algorithm developed to predict the effect of missense changes on protein structure and function (PolyPhen-2) suggests that this variant is likely to be disruptive. In summary, the available evidence is currently insufficient to determine the role of this variant in disease. Therefore, it has been classified as a Variant of Uncertain Significance.

Ambry Genetics
Classification: Uncertain significance for Hereditary cancer-predisposing syndrome. Last evaluated: 2024-10-28. Review status: criteria provided, single submitter. Criteria: Ambry Variant Classification Scheme 2023. Collection method: clinical testing. Allele origin: germline.
Comment: The p.G849D variant (also known as c.2546G>A), located in coding exon 14 of the RET gene, results from a G to A substitution at nucleotide position 2546. The glycine at codon 849 is replaced by aspartic acid, an amino acid with similar properties. This amino acid position is conserved. In addition, this alteration is predicted to be deleterious by in silico analysis. Based on the available evidence, the clinical significance of this variant remains unclear.

Baylor Genetics
Classification: Uncertain significance for Hirschsprung disease, susceptibility to, 1. Last evaluated: 2023-11-17. Review status: criteria provided, single submitter. Criteria: ACMG Guidelines, 2015. Collection method: clinical testing. Allele origin: unknown.

Fulgent Genetics
Classification: Uncertain significance for Hirschsprung disease, susceptibility to, 1; Familial medullary thyroid carcinoma; Multiple endocrine neoplasia type 2B; Pheochromocytoma; Multiple endocrine neoplasia type 2A. Last evaluated: 2022-05-24. Review status: criteria provided, single submitter. Criteria: ACMG Guidelines, 2015. Collection method: clinical testing. Allele origin: unknown.